The following is an entry in ClinVar:

NM_016203.4(PRKAG2):c.1106+9G>C

Gene: PRKAG2 (protein kinase AMP-activated non-catalytic subunit gamma 2; minus strand). Cytogenetic location: 7q36.1.
Variant type: single nucleotide variant.
Coding change: c.1106+9G>C on transcript NM_016203.4 (MANE Select); 9 bases into the intron after coding-DNA position 1106, G replaced by C.
Molecular consequence: intron variant.
Genome position (GRCh38, 1-based): chr7:151,570,162, C>G on the plus strand (G>C on the coding strand, the complement: PRKAG2 is on the minus strand). VCF-style: chr7-151570162-C-G. GRCh37 (hg19) VCF-style: chr7-151267248-C-G.
Other names: p.?; c.974+9G>C (NM_001040633.2); c.731+9G>C (NM_001304527.2); c.734+9G>C (NM_001363698.2); c.383+9G>C (NM_001304531.2, NM_024429.2).
Identifiers: ClinVar variation 45687 (VCV000045687.39), dbSNP rs200429988, ClinGen allele CA013574.

ClinVar aggregate classification (germline): Conflicting classifications of pathogenicity. Review status: criteria provided, conflicting classifications (1 of 4 stars). 15 submissions from 14 submitters: Uncertain significance (2); Benign (4); Likely benign (4). 5 of the submissions do not count toward it. Last evaluated 2026-01-29.

Conditions:
Cardiomyopathy (CMYO). Also called: Cardiomyopathies. Identifiers: Orphanet 167848, MedGen C0878544, MONDO:0004994, HP:0001638. Inheritance: Various modes of inheritance.
Wolff-Parkinson-White pattern. Also called: Auriculoventricular accessory pathway syndrome; False bundle branch block syndrome; Anomalous ventricular excitation syndrome; WPW SYNDROME. Identifiers: MedGen C0043202, MONDO:0008685, OMIM 194200, HP:0001716.
Hypertrophic cardiomyopathy 6. Identifiers: MedGen C1833236, MONDO:0010946, OMIM 600858.
Lethal congenital glycogen storage disease of heart. Also called: GLYCOGEN STORAGE DISEASE OF HEART; PHOSPHORYLASE KINASE DEFICIENCY OF HEART. Identifiers: Orphanet 439854, MedGen C1849813, MONDO:0009867, OMIM 261740.

Allele frequency attached by ClinVar (database versions not stated): 1000 Genomes Project 30x 0.00016; 1000 Genomes Project 0.00020; gnomAD 0.00055; TOPMed 0.00095; ESP Exome Variant Server 0.00139.
gnomAD v4.1: 1,936 of 1,588,004 alleles (0.12%); highest among the groups gnomAD compares: Non-Finnish European, 0.16%; 2 homozygotes.

Submissions (15):

Labcorp Genetics (formerly Invitae), Labcorp
Classification: Benign for Lethal congenital glycogen storage disease of heart. Last evaluated: 2026-01-29. Review status: criteria provided, single submitter. Criteria: Invitae Variant Classification Sherloc (09022015). Collection method: clinical testing. Allele origin: germline.

Molecular Diagnostic Laboratory for Inherited Cardiovascular Disease, Montreal Heart Institute
Classification: Likely benign. Last evaluated: 2025-04-09. Review status: criteria provided, single submitter. Criteria: ACMG Guidelines, 2015. Collection method: clinical testing. Allele origin: germline. Affected: no.

Blueprint Genetics
Classification: Likely benign. Last evaluated: 2024-11-26. Review status: criteria provided, single submitter. Criteria: ACMG Guidelines, 2015. Collection method: clinical testing. Allele origin: germline.

Mayo Clinic Laboratories, Mayo Clinic
Classification: Likely benign. Last evaluated: 2024-11-21. Review status: criteria provided, single submitter. Criteria: ACMG Guidelines, 2015. Collection method: clinical testing. Allele origin: germline. Observed: 5 variant alleles.
Comment: BS1

ARUP Laboratories, Molecular Genetics and Genomics, ARUP Laboratories
Classification: Benign. Last evaluated: 2023-08-24. Review status: criteria provided, single submitter. Criteria: ARUP Molecular Germline Variant Investigation Process 2024. Collection method: clinical testing. Allele origin: germline.

Illumina Laboratory Services, Illumina
Classification: Uncertain significance for Wolff-Parkinson-White pattern. Last evaluated: 2018-01-13. Review status: criteria provided, single submitter. Criteria: ICSL Variant Classification Criteria 13 December 2019. Collection method: clinical testing. Allele origin: germline.

Illumina Laboratory Services, Illumina
Classification: Uncertain significance for Hypertrophic cardiomyopathy 6. Last evaluated: 2018-01-13. Review status: criteria provided, single submitter. Criteria: ICSL Variant Classification Criteria 13 December 2019. Collection method: clinical testing. Allele origin: germline.

CHEO Genetics Diagnostic Laboratory, Children's Hospital of Eastern Ontario
Classification: Benign for Cardiomyopathy. Last evaluated: 2017-11-23. Review status: criteria provided, single submitter. Criteria: ACMG Guidelines, 2015. Collection method: clinical testing. Allele origin: germline.

GeneDx
Classification: Benign. Last evaluated: 2014-02-08. Review status: criteria provided, single submitter. Criteria: GeneDx Variant Classification (06012015). Collection method: clinical testing. Allele origin: germline. Affected: yes.
Comment: This variant is considered likely benign or benign based on one or more of the following criteria: it is a conservative change, it occurs at a poorly conserved position in the protein, it is predicted to be benign by multiple in silico algorithms, and/or has population frequency not consistent with disease.

Laboratory for Molecular Medicine, Mass General Brigham Personalized Medicine
Classification: Likely benign. Last evaluated: 2012-05-24. Review status: criteria provided, single submitter. Criteria: LMM Criteria. Collection method: clinical testing. Allele origin: germline. Observed: 11 variant alleles.
Comment: 1106+9G>C in intron 10 of PRKAG2: This variant is not expected to have clinical significance because it is not located within the splice consensus sequence. It has been reported by the NHLBI Exome Sequencing Project(.edu/EVS), though the data did not pass quality metrics and was therefore not in cluded in the assessment of the variant. 1106+9G>C in intron 10 of PRKAG2 (alle le frequency = n/a)

Clinical Genetics DNA and cytogenetics Diagnostics Lab, Erasmus MC, Erasmus Medical Center
Classification: Likely benign. Review status: no assertion criteria provided. Collection method: clinical testing. Allele origin: germline. Affected: yes. Study: VKGL Data-share Consensus. Not counted in ClinVar's aggregate classification.

Clinical Genetics, Academic Medical Center
Classification: Benign. Review status: no assertion criteria provided. Collection method: clinical testing. Allele origin: germline. Affected: yes. Study: VKGL Data-share Consensus. Not counted in ClinVar's aggregate classification.

Diagnostic Laboratory, Department of Genetics, University Medical Center Groningen
Classification: Likely benign. Review status: no assertion criteria provided. Collection method: clinical testing. Allele origin: germline. Affected: yes. Study: VKGL Data-share Consensus. Not counted in ClinVar's aggregate classification.

Genome Diagnostics Laboratory, University Medical Center Utrecht
Classification: Likely benign. Review status: no assertion criteria provided. Collection method: clinical testing. Allele origin: germline. Affected: yes. Study: VKGL Data-share Consensus. Not counted in ClinVar's aggregate classification.

Joint Genome Diagnostic Labs from Nijmegen and Maastricht, Radboudumc and MUMC+
Classification: Likely benign. Review status: no assertion criteria provided. Collection method: clinical testing. Allele origin: germline. Affected: yes. Study: VKGL Data-share Consensus. Not counted in ClinVar's aggregate classification.